The following is an entry in ClinVar:

ClinVar aggregate classification (germline): Likely benign (1 of 4 stars; one submission).

Submission:

CeGaT Center for Human Genetics Tuebingen
Classification: Likely benign. Last evaluated: 2026-09-01. Review status: criteria provided, single submitter. Criteria: CeGaT Center For Human Genetics Tuebingen Variant Classification Criteria Version 2. Collection method: clinical testing. Allele origin: germline. Affected: yes. Observed: 1 variant allele.
Comment: RNU5B-1: BS1

NC_000015.10:g.65304817T>C

Gene: RNU5B-1 (RNA, U5B small nuclear 1; plus strand). Cytogenetic location: 15q22.31.
Variant type: single nucleotide variant.
Genome position: GRCh38 VCF-style: chr15-65304817-T-C. GRCh37 (hg19) VCF-style: chr15-65597155-T-C.
Identifiers: ClinVar variation 5041394 (VCV005041394.1).